The following is an entry in ClinVar:

NM_030653.4(DDX11):c.979C>T (p.Arg327Trp)

Gene: DDX11 (DEAD/H-box helicase 11; plus strand). Cytogenetic location: 12p11.21.
Variant type: single nucleotide variant.
Coding change: c.979C>T on transcript NM_030653.4 (MANE Select); coding-DNA position 979, C replaced by T.
Protein change: p.Arg327Trp; replaces arginine 327 with tryptophan.
Molecular consequence: missense variant. On other transcripts: non-coding transcript variant (4).
Genome position (GRCh38, 1-based): chr12:31,089,984, C>T. VCF-style: chr12-31089984-C-T. GRCh37 (hg19) VCF-style: chr12-31242918-C-T.
Other names: c.901C>T, p.Arg301Trp (NM_001413699.1, NM_001257145.2, NM_001413697.1 and 1 more transcripts); c.892C>T, p.Arg298Trp (NM_001413700.1); c.451C>T, p.Arg151Trp (NM_001413702.1, NM_001413703.1); c.118C>T, p.Arg40Trp (NM_001413704.1, NM_001413705.1); c.13C>T, p.Arg5Trp (NM_001413706.1); c.979C>T, p.Arg327Trp (NM_004399.3, NM_152438.2, NM_001257144.2 and 5 more transcripts); short protein forms R40W, R298W, R327W, R5W, R301W, R151W.
Identifiers: ClinVar variation 5005090 (VCV005005090.2).
Genomic context (GRCh38, chr12:31,089,984, plus strand): 5'-AGGAGGCAGGAGAAGCAGGCAGCCTGCCCCTTCTACAACCACGAGCAGATGGGCCTTCTC[C>T]GGGATGAGGCCCTGGCAGAGGTGAAGGACATGGAGCAGCTGCTGGCCCTTGGGAAGGAGG-3'
Protein context (NP_085911.2, residues 317-337): FYNHEQMGLL[Arg327Trp]DEALAEVKDM

ClinVar aggregate classification (germline): Uncertain significance (1 of 4 stars; one submission).

Conditions:
Warsaw breakage syndrome (WABS). Also called: DDX11-Related Cohesinopathy. Identifiers: Orphanet 280558, MedGen C3150658, MONDO:0013252, OMIM 613398.

Submission:

Juno Genomics, Hangzhou Juno Genomics, Inc
Classification: Uncertain significance for Warsaw breakage syndrome. Review status: criteria provided, single submitter. Criteria: ACMG Guidelines, 2015. Collection method: clinical testing. Allele origin: germline.
Comment: Absent from controls (or at extremely low frequency if recessive) in Genome Aggregation Database.;Multiple lines of computational evidence support a deleterious effect on the gene or gene product.